The following is an entry in ClinVar:

NM_004855.5(PIGB):c.1054T>C (p.Tyr352His)

Gene: PIGB (phosphatidylinositol glycan anchor biosynthesis class B; plus strand). Cytogenetic location: 15q21.3.
Variant type: single nucleotide variant.
Coding change: c.1054T>C on transcript NM_004855.5 (MANE Select); coding-DNA position 1054, T replaced by C.
Protein change: p.Tyr352His; replaces tyrosine 352 with histidine.
Molecular consequence: missense variant.
Genome position (GRCh38, 1-based): chr15:55,340,819, T>C. VCF-style: chr15-55340819-T-C. GRCh37 (hg19) VCF-style: chr15-55633017-T-C.
Other names: short protein forms Y352H.
Identifiers: ClinVar variation 2009943 (VCV002009943.4), dbSNP rs1464243261, ClinGen allele CA392543207.
Genomic context (GRCh38, chr15:55,340,819, plus strand): 5'-TATCTAGCACCAAAGAGATACCGGATACTTTTGGTGACTGTGCTGTGGACACTGCTTGTT[T>C]ATAGGTAAGATTTTATTTGTTCAAAAGGCTAAAATTTTTTATGTTACCAAGAAATCAAAT-3'
Protein context (NP_004846.4, residues 342-362): LVTVLWTLLV[Tyr352His]SMLSHKEFRF

ClinVar aggregate classification (germline): Uncertain significance (1 of 4 stars; one submission).

Allele frequency attached by ClinVar (database versions not stated): TOPMed 0.00001.

Submission:

Labcorp Genetics (formerly Invitae), Labcorp
Classification: Uncertain significance. Last evaluated: 2024-09-30. Review status: criteria provided, single submitter. Criteria: Invitae Variant Classification Sherloc (09022015). Collection method: clinical testing. Allele origin: germline.
Comment: This sequence change replaces tyrosine, which is neutral and polar, with histidine, which is basic and polar, at codon 352 of the PIGB protein (p.Tyr352His). This variant is not present in population databases (gnomAD no frequency). This variant has not been reported in the literature in individuals affected with PIGB-related conditions. ClinVar contains an entry for this variant (Variation ID: 2009943). Invitae Evidence Modeling of protein sequence and biophysical properties (such as structural, functional, and spatial information, amino acid conservation, physicochemical variation, residue mobility, and thermodynamic stability) indicates that this missense variant is not expected to disrupt PIGB protein function with a negative predictive value of 80%. In summary, the available evidence is currently insufficient to determine the role of this variant in disease. Therefore, it has been classified as a Variant of Uncertain Significance.